The following is an entry in ClinVar:

ClinVar aggregate classification (germline): Likely benign. Review status: criteria provided, multiple submitters, no conflicts (2 of 4 stars). 2 submissions from 2 submitters: Likely benign (2). Last evaluated 2018-01-13.

Conditions:
Glanzmann thrombasthenia. Also called: PLATELET GLYCOPROTEIN IIb-IIIa DEFICIENCY; Thrombasthenia; Glanzmann's thrombasthenia; BLEEDING DISORDER, PLATELET-TYPE, 2; THROMBASTHENIA OF GLANZMANN AND NAEGELI. Identifiers: Orphanet 849, MedGen C0040015, MONDO:0100326.

Allele frequency attached by ClinVar (database versions not stated): 1000 Genomes Project 0.00280; 1000 Genomes Project 30x 0.00281; TOPMed 0.00691; gnomAD 0.00774 and 0.00791; gnomAD exomes 0.01440.
gnomAD v4.1: 1,171 of 152,806 alleles (0.77%); highest among the groups gnomAD compares: Non-Finnish European, 1.3%; 5 homozygotes.

Submissions (2):

Illumina Laboratory Services, Illumina
Classification: Likely benign for Glanzmann thrombasthenia 1. Last evaluated: 2018-01-13. Review status: criteria provided, single submitter. Criteria: ICSL Variant Classification Criteria 13 December 2019. Collection method: clinical testing. Allele origin: germline.
Comment: This variant was observed in the ICSL laboratory as part of a predisposition screen in an ostensibly healthy population. It had not been previously curated by ICSL or reported in the Human Gene Mutation Database (HGMD: prior to June 1st, 2018), and was therefore a candidate for classification through an automated scoring system. Utilizing variant allele frequency, disease prevalence and penetrance estimates, and inheritance mode, an automated score was calculated to assess if this variant is too frequent to cause the disease. Based on the score and internal cut-off values, a variant classified as likely benign is not then subjected to further curation. The score for this variant resulted in a classification of likely benign for this disease.

Breakthrough Genomics
Classification: Likely benign. Review status: criteria provided, single submitter. Criteria: ACMG Guidelines, 2015. Collection method: not provided. Allele origin: germline. Inheritance: Autosomal recessive inheritance. Affected: yes.

NM_000212.3(ITGB3):c.*1154G>A

Genes: EFCAB13-DT (EFCAB13 divergent transcript; minus strand), ITGB3 (integrin subunit beta 3; plus strand). Cytogenetic location: 17q21.32.
Variant type: single nucleotide variant.
Coding change: c.*1154G>A on transcript NM_000212.3 (MANE Select); 1154 bases downstream of the stop codon, G replaced by A.
Molecular consequence: 3 prime UTR variant.
Genome position (GRCh38, 1-based): chr17:47,311,358, G>A. VCF-style: chr17-47311358-G-A. GRCh37 (hg19) VCF-style: chr17-45388724-G-A.
Identifiers: ClinVar variation 323892 (VCV000323892.6), dbSNP rs56288308, ClinGen allele CA10639978.